The following is an entry in ClinVar:

ClinVar aggregate classification (germline): Uncertain significance. Review status: criteria provided, multiple submitters, no conflicts (2 of 4 stars). 4 submissions from 4 submitters: Uncertain significance (4). Last evaluated 2025-01-22.

Conditions:
Leukoencephalopathy with brain stem and spinal cord involvement-high lactate syndrome (LBSL). Also called: LEUKOENCEPHALOPATHY WITH BRAINSTEM AND SPINAL CORD INVOLVEMENT AND LACTATE ELEVATION, MILD; MITOCHONDRIAL ASPARTYL-tRNA SYNTHETASE DEFICIENCY; Leukoencephalopathy with Brainstem and Spinal Cord Involvement and Lactate Elevation. Identifiers: Orphanet 137898, MedGen C1970180, MONDO:0012622, OMIM 611105.

Allele frequency attached by ClinVar (database versions not stated): gnomAD exomes below 0.00001; TOPMed 0.00001.
gnomAD v4.1: 1 of 1,613,264 alleles (0.000062%); highest among the groups gnomAD compares: South Asian, 0.0011%; no homozygotes.

Submissions (4):

Broad Center for Mendelian Genomics, Broad Institute of MIT and Harvard
Classification: Uncertain significance for Leukoencephalopathy with brain stem and spinal cord involvement-high lactate syndrome. Last evaluated: 2025-01-22. Review status: criteria provided, single submitter. Criteria: ACMG Guidelines, 2015. Collection method: curation. Allele origin: germline. Inheritance: Autosomal recessive inheritance.
Comment: The p.Glu277Lys variant in DARS2 has been reported in 1 individual with leukoencephalopathy with brain stem and spinal cord involvement-high lactate syndrome (PMID: 35820270), and has been identified in 0.001% (1/91062) of South Asian chromosomes by the Genome Aggregation Database (gnomAD; dbSNP rs1396541001). Although this variant has been seen in the general population in a heterozygous state, its frequency is low enough to be consistent with a recessive carrier frequency. This variant has also been reported in ClinVar (Variation ID: 1303385) and has been interpreted as a variant of uncertain significance by GeneDx and Invitae. In vitro functional studies provide some evidence that the p.Glu277Lys variant may slightly impact protein function (PMID: 35820270). However, these types of assays may not accurately represent biological function. Computational prediction tools and conservation analyses suggest that this variant may impact the protein, though this information is not predictive enough to determine pathogenicity. In summary, the clinical significance of the p.Gly277Lys variant is uncertain. ACMG/AMP Criteria applied: PP3_moderate, PM2_supporting, PS3_supporting (Richards 2015).

Genome-Nilou Lab
Classification: Uncertain significance for Leukoencephalopathy with brain stem and spinal cord involvement-high lactate syndrome. Last evaluated: 2023-04-11. Review status: criteria provided, single submitter. Criteria: ACMG Guidelines, 2015. Collection method: clinical testing. Allele origin: germline. Affected: no.

Labcorp Genetics (formerly Invitae), Labcorp
Classification: Uncertain significance. Last evaluated: 2022-07-26. Review status: criteria provided, single submitter. Criteria: Invitae Variant Classification Sherloc (09022015). Collection method: clinical testing. Allele origin: germline.
Comment: This sequence change replaces glutamic acid, which is acidic and polar, with lysine, which is basic and polar, at codon 277 of the DARS2 protein (p.Glu277Lys). This variant is present in population databases (no rsID available, gnomAD 0.0009%). This variant has not been reported in the literature in individuals affected with DARS2-related conditions. ClinVar contains an entry for this variant (Variation ID: 1303385). Advanced modeling of protein sequence and biophysical properties (such as structural, functional, and spatial information, amino acid conservation, physicochemical variation, residue mobility, and thermodynamic stability) performed at Invitae indicates that this missense variant is expected to disrupt DARS2 protein function. In summary, the available evidence is currently insufficient to determine the role of this variant in disease. Therefore, it has been classified as a Variant of Uncertain Significance.

GeneDx
Classification: Uncertain significance. Last evaluated: 2019-05-29. Review status: criteria provided, single submitter. Criteria: GeneDx Variant Classification Process June 2021. Collection method: clinical testing. Allele origin: germline. Affected: yes.
Comment: Not observed at a significant frequency in large population cohorts (Lek et al., 2016); In silico analysis, which includes protein predictors and evolutionary conservation, supports a deleterious effect; Has not been previously published as pathogenic or benign to our knowledge

Literature cited by the submitters: PubMed 35820270 (cited by Broad Center for Mendelian Genomics, Broad Institute of MIT and Harvard).

NM_018122.5(DARS2):c.829G>A (p.Glu277Lys)

Gene: DARS2 (aspartyl-tRNA synthetase 2, mitochondrial; plus strand). Cytogenetic location: 1q25.1.
Variant type: single nucleotide variant.
Coding change: c.829G>A on transcript NM_018122.5 (MANE Select); coding-DNA position 829, G replaced by A.
Protein change: p.Glu277Lys; replaces glutamic acid 277 with lysine.
Molecular consequence: missense variant.
Genome position (GRCh38, 1-based): chr1:173,838,248, G>A. VCF-style: chr1-173838248-G-A. GRCh37 (hg19) VCF-style: chr1-173807386-G-A.
Other names: NM_018122.5(DARS2):c.829G>A; p.Glu277Lys; c.829G>A, p.Glu277Lys (NM_001365212.1, NM_001365213.2); short protein forms E277K.
Identifiers: ClinVar variation 1303385 (VCV001303385.11), dbSNP rs1396541001, ClinGen allele CA343762418.
Genomic context (GRCh38, chr1:173,838,248, plus strand): 5'-AGATATTTTCAGGTTGCCCGATGTTATCGAGATGAAGGTTCAAGACCAGACAGACAGCCT[G>A]AGTTTACTCAGGTACAAAGTTATATTCACTTGTTTCTTAAAATTCAGGCTTACTATTTTG-3'
Protein context (NP_060592.2, residues 267-287): DEGSRPDRQP[Glu277Lys]FTQIDIEMSF